The following is an entry in ClinVar:

NM_001040108.2(MLH3):c.2215C>T (p.Pro739Ser)

Gene: MLH3 (mutL homolog 3; minus strand). Cytogenetic location: 14q24.3.
Variant type: single nucleotide variant.
Coding change: c.2215C>T on transcript NM_001040108.2 (MANE Select); coding-DNA position 2215, C replaced by T.
Protein change: p.Pro739Ser; replaces proline 739 with serine.
Molecular consequence: missense variant.
Genome position (GRCh38, 1-based): chr14:75,047,441, G>A on the plus strand (C>T on the coding strand, the complement: MLH3 is on the minus strand). VCF-style: chr14-75047441-G-A. GRCh37 (hg19) VCF-style: chr14-75514144-G-A.
Other names: c.2215C>T, p.Pro739Ser (NM_014381.3); short protein forms P739S.
Identifiers: ClinVar variation 1787825 (VCV001787825.4), dbSNP rs1351620747, ClinGen allele CA390441189.

ClinVar aggregate classification (germline): Uncertain significance. Review status: criteria provided, multiple submitters, no conflicts (2 of 4 stars). 2 submissions from 2 submitters: Uncertain significance (2). Last evaluated 2025-12-30.

Conditions:
Colorectal cancer, hereditary nonpolyposis, type 7. Identifiers: Orphanet 144, MedGen C1858380, MONDO:0013725, OMIM 614385.

Allele frequency attached by ClinVar (database versions not stated): TOPMed below 0.00001.

Submissions (2):

Labcorp Genetics (formerly Invitae), Labcorp
Classification: Uncertain significance for Colorectal cancer, hereditary nonpolyposis, type 7. Last evaluated: 2025-12-30. Review status: criteria provided, single submitter. Criteria: Invitae Variant Classification Sherloc (09022015). Collection method: clinical testing. Allele origin: germline.
Comment: This sequence change replaces proline, which is neutral and non-polar, with serine, which is neutral and polar, at codon 739 of the MLH3 protein (p.Pro739Ser). This variant is not present in population databases (gnomAD no frequency). This variant has not been reported in the literature in individuals affected with MLH3-related conditions. ClinVar contains an entry for this variant (Variation ID: 1787825). An algorithm developed to predict the effect of missense changes on protein structure and function (PolyPhen-2) suggests that this variant is likely to be tolerated. In summary, the available evidence is currently insufficient to determine the role of this variant in disease. Therefore, it has been classified as a Variant of Uncertain Significance.

Ambry Genetics
Classification: Uncertain significance. Last evaluated: 2024-05-08. Review status: criteria provided, single submitter. Criteria: Ambry Variant Classification Scheme 2023. Collection method: clinical testing. Allele origin: germline.
Comment: The p.P739S variant (also known as c.2215C>T), located in coding exon 1 of the MLH3 gene, results from a C to T substitution at nucleotide position 2215. The proline at codon 739 is replaced by serine, an amino acid with similar properties. This amino acid position is conserved. In addition, this alteration is predicted to be tolerated by in silico analysis. Since supporting evidence is limited at this time, the clinical significance of this alteration remains unclear.